The following is an entry in ClinVar:

ClinVar aggregate classification (germline): Pathogenic (1 of 4 stars; one submission).

Conditions:
TH-deficient dopa-responsive dystonia. Also called: Tyrosine Hydroxylase-Deficient Dopa-Responsive Dystonia; Segawa syndrome, autosomal recessive; DYT-TH. Identifiers: Orphanet 101150, MedGen C2673535, MONDO:0011551, OMIM 605407.

Submission:

Labcorp Genetics (formerly Invitae), Labcorp
Classification: Pathogenic for TH-deficient dopa-responsive dystonia. Last evaluated: 2023-05-27. Review status: criteria provided, single submitter. Criteria: Invitae Variant Classification Sherloc (09022015). Collection method: clinical testing. Allele origin: germline.
Comment: This variant has not been reported in the literature in individuals affected with TH-related conditions. This sequence change creates a premature translational stop signal (p.Val229Cysfs*8) in the TH gene. It is expected to result in an absent or disrupted protein product. Loss-of-function variants in TH are known to be pathogenic (PMID: 22264700, 24753243). This variant is not present in population databases (gnomAD no frequency). For these reasons, this variant has been classified as Pathogenic.

Literature cited by the submitters: PubMed 22264700; PubMed 24753243.

NM_000360.4(TH):c.592del (p.Val198fs)

Gene: TH (tyrosine hydroxylase; minus strand). Cytogenetic location: 11p15.5.
Variant type: Deletion.
Coding change: c.592del on transcript NM_000360.4 (MANE Select); coding-DNA position 592, one base deleted (G; older notation c.592delG).
Protein change: p.Val198fs; shifts the reading frame from valine 198.
Molecular consequence: frameshift variant.
Genome position (GRCh38, 1-based): chr11:2,167,918, C deleted on the plus strand (G on the coding strand, the reverse complement: TH is on the minus strand); the first of 2 consecutive C bases (chr11:2,167,918-2,167,919); deleting either gives the same sequence. VCF-style (leftmost placement, unchanged base first): chr11-2167917-AC-A. GRCh37 (hg19) VCF-style: chr11-2189147-AC-A.
Other names: c.685del, p.Val229fs (NM_199292.3); c.673del, p.Val225fs (NM_199293.3); short protein forms V198fs, V225fs, V229fs.
Identifiers: ClinVar variation 2735235 (VCV002735235.3), dbSNP rs2495815921, ClinGen allele CA2697558820.